The following is an entry in ClinVar:

NM_000492.4(CFTR):c.2350C>G (p.His784Asp)

Gene: CFTR (CF transmembrane conductance regulator; plus strand). Cytogenetic location: 7q31.2.
Variant type: single nucleotide variant.
Coding change: c.2350C>G on transcript NM_000492.4 (MANE Select); coding-DNA position 2350, C replaced by G.
Protein change: p.His784Asp; replaces histidine 784 with aspartic acid.
Molecular consequence: missense variant.
Genome position (GRCh38, 1-based): chr7:117,592,517, C>G. VCF-style: chr7-117592517-C-G. GRCh37 (hg19) VCF-style: chr7-117232571-C-G.
Other names: short protein forms H784D.
Identifiers: ClinVar variation 1790001 (VCV001790001.3), dbSNP rs1792047256, ClinGen allele CA368981034.

ClinVar aggregate classification (germline): Uncertain significance (1 of 4 stars; one submission).

Conditions:
Cystic fibrosis (CF). Also called: MUCOVISCIDOSIS. Identifiers: Orphanet 586, MedGen C0010674, MONDO:0009061, OMIM 219700. Disease mechanism: loss of function.

Allele frequency attached by ClinVar (database versions not stated): TOPMed below 0.00001.

Submission:

Ambry Genetics
Classification: Uncertain significance for Cystic fibrosis. Last evaluated: 2025-06-21. Review status: criteria provided, single submitter. Criteria: Ambry Variant Classification Scheme 2023. Collection method: clinical testing. Allele origin: germline.
Comment: The p.H784D variant (also known as c.2350C>G), located in coding exon 14 of the CFTR gene, results from a C to G substitution at nucleotide position 2350. The histidine at codon 784 is replaced by aspartic acid, an amino acid with similar properties. This amino acid position is conserved. In addition, the in silico prediction for this alteration is inconclusive. Since supporting evidence is limited at this time, the clinical significance of this alteration remains unclear.